The following is an entry in ClinVar:

ClinVar aggregate classification (germline): Pathogenic (1 of 4 stars; one submission).

Conditions:
LAMA2-related muscular dystrophy (LAMA2-RD). Also called: Laminin alpha 2-related dystrophy. Identifiers: MedGen C5679788, MONDO:0100228.

Submission:

Labcorp Genetics (formerly Invitae), Labcorp
Classification: Pathogenic for LAMA2-related muscular dystrophy. Last evaluated: 2022-11-12. Review status: criteria provided, single submitter. Criteria: Invitae Variant Classification Sherloc (09022015). Collection method: clinical testing. Allele origin: germline.
Comment: This sequence change creates a premature translational stop signal (p.Cys1451Trpfs*2) in the LAMA2 gene. It is expected to result in an absent or disrupted protein product. Loss-of-function variants in LAMA2 are known to be pathogenic (PMID: 18700894, 32904964). This variant is not present in population databases (gnomAD no frequency). This variant has not been reported in the literature in individuals affected with LAMA2-related conditions. For these reasons, this variant has been classified as Pathogenic.

Literature cited by the submitters: PubMed 18700894; PubMed 32904964.

NM_000426.4(LAMA2):c.4334_4352dup (p.Cys1451delinsTrpTer)

Gene: LAMA2 (laminin subunit alpha 2; plus strand). Cytogenetic location: 6q22.33.
Variant type: Duplication.
Coding change: c.4334_4352dup on transcript NM_000426.4 (MANE Select); coding-DNA positions 4334 to 4352, 19 bases duplicated (GTGACTTCTGTGAACGATG).
Protein change: p.Cys1451delinsTrpTer.
Molecular consequence: nonsense.
Genome position (GRCh38, 1-based): chr6:129,342,365-129,342,383, GTGACTTCTGTGAACGATG duplicated; duplicating any 19 consecutive bases within chr6:129,342,363-129,342,383 gives the same sequence; the c. name uses the placement nearest the transcript's 3' end. VCF-style (leftmost placement, unchanged base first): chr6-129342362-C-CTGGTGACTTCTGTGAACGA. GRCh37 (hg19) VCF-style: chr6-129663507-C-CTGGTGACTTCTGTGAACGA.
Other names: c.4334_4352dup, p.Cys1451delinsTrpTer (NM_001079823.2).
Identifiers: ClinVar variation 2813965 (VCV002813965.3), dbSNP rs2482531836, ClinGen allele CA2739266103.